The following is an entry in ClinVar:

NM_001903.5(CTNNA1):c.704C>T (p.Ala235Val)

Gene: CTNNA1 (catenin alpha 1; plus strand). Cytogenetic location: 5q31.2.
Variant type: single nucleotide variant.
Coding change: c.704C>T on transcript NM_001903.5 (MANE Select); coding-DNA position 704, C replaced by T.
Protein change: p.Ala235Val; replaces alanine 235 with valine.
Molecular consequence: missense variant.
Genome position (GRCh38, 1-based): chr5:138,824,645, C>T. VCF-style: chr5-138824645-C-T. GRCh37 (hg19) VCF-style: chr5-138160334-C-T.
Other names: c.704C>T, p.Ala235Val (NM_001290307.3, NM_001323982.2, NM_001323983.1 and 3 more transcripts); c.395C>T, p.Ala132Val (NM_001290309.3); c.335C>T, p.Ala112Val (NM_001290310.3); short protein forms A112V, A132V, A235V.
Identifiers: ClinVar variation 654475 (VCV000654475.15), dbSNP rs1461611114, ClinGen allele CA361129783.
Genomic context (GRCh38, chr5:138,824,645, plus strand): 5'-AGAAGAACGTTCCGATCCTCTATACTGCATCCCAGGCATGCCTACAGCACCCTGATGTCG[C>T]AGCCTATAAGGCCAACAGGGACCTGATATACAAGCAGCTGCAGCAGGCGGTCACAGGCAT-3'
Protein context (NP_001894.2, residues 225-245): SQACLQHPDV[Ala235Val]AYKANRDLIY

ClinVar aggregate classification (germline): Uncertain significance. Review status: criteria provided, multiple submitters, no conflicts (2 of 4 stars). 3 submissions from 3 submitters: Uncertain significance (3). Last evaluated 2025-10-13.

Conditions:
Hereditary cancer-predisposing syndrome. Also called: Neoplastic Syndromes, Hereditary; Hereditary Cancer Syndrome; Tumor predisposition; Hereditary neoplastic syndrome. Identifiers: Orphanet 140162, MedGen C0027672, MeSH D009386, MONDO:0015356.

Allele frequency attached by ClinVar (database versions not stated): gnomAD exomes below 0.00001; TOPMed below 0.00001; gnomAD 0.00001.
gnomAD v4.1: 5 of 1,614,088 alleles (0.00031%); highest among the groups gnomAD compares: Non-Finnish European, 0.00034%; no homozygotes.

Submissions (3):

Labcorp Genetics (formerly Invitae), Labcorp
Classification: Uncertain significance. Last evaluated: 2025-10-13. Review status: criteria provided, single submitter. Criteria: Invitae Variant Classification Sherloc (09022015). Collection method: clinical testing. Allele origin: germline.
Comment: This sequence change replaces alanine, which is neutral and non-polar, with valine, which is neutral and non-polar, at codon 235 of the CTNNA1 protein (p.Ala235Val). This variant is present in population databases (no rsID available, gnomAD 0.0009%). This variant has not been reported in the literature in individuals affected with CTNNA1-related conditions. ClinVar contains an entry for this variant (Variation ID: 654475). Invitae Evidence Modeling of protein sequence and biophysical properties (such as structural, functional, and spatial information, amino acid conservation, physicochemical variation, residue mobility, and thermodynamic stability) indicates that this missense variant is not expected to disrupt CTNNA1 protein function with a negative predictive value of 80%. In summary, the available evidence is currently insufficient to determine the role of this variant in disease. Therefore, it has been classified as a Variant of Uncertain Significance.

Ambry Genetics
Classification: Uncertain significance for Hereditary cancer-predisposing syndrome. Last evaluated: 2024-02-13. Review status: criteria provided, single submitter. Criteria: Ambry Variant Classification Scheme 2023. Collection method: clinical testing. Allele origin: germline.
Comment: The p.A235V variant (also known as c.704C>T), located in coding exon 5 of the CTNNA1 gene, results from a C to T substitution at nucleotide position 704. The alanine at codon 235 is replaced by valine, an amino acid with similar properties. This amino acid position is highly conserved in available vertebrate species. In addition, the in silico prediction for this alteration is inconclusive. The evidence for this gene-disease relationship is limited; therefore, the clinical significance of this alteration is unclear.

Blueprint Genetics
Classification: Uncertain significance. Last evaluated: 2022-08-03. Review status: criteria provided, single submitter. Criteria: ACMG Guidelines, 2015. Collection method: clinical testing. Allele origin: germline.